The following is an entry in ClinVar:

ClinVar aggregate classification (germline): Uncertain significance (1 of 4 stars; one submission).

Conditions:
Autosomal recessive severe congenital neutropenia due to CSF3R deficiency. Also called: Neutropenia, severe congenital, 7, autosomal recessive. Identifiers: Orphanet 420702, MedGen C4310764, MONDO:0014865, OMIM 617014.

Allele frequency attached by ClinVar (database versions not stated): ExAC 0.00001; gnomAD 0.00001; TOPMed 0.00001; gnomAD exomes 0.00002; ESP Exome Variant Server 0.00008.
gnomAD v4.1: 36 of 1,614,016 alleles (0.0022%); highest among the groups gnomAD compares: Non-Finnish European, 0.003%; no homozygotes.

Submission:

Labcorp Genetics (formerly Invitae), Labcorp
Classification: Uncertain significance for Autosomal recessive severe congenital neutropenia due to CSF3R deficiency. Last evaluated: 2025-09-22. Review status: criteria provided, single submitter. Criteria: Invitae Variant Classification Sherloc (09022015). Collection method: clinical testing. Allele origin: germline.
Comment: This sequence change replaces leucine, which is neutral and non-polar, with methionine, which is neutral and non-polar, at codon 109 of the CSF3R protein (p.Leu109Met). This variant is present in population databases (rs147091245, gnomAD 0.005%). This variant has not been reported in the literature in individuals affected with CSF3R-related conditions. ClinVar contains an entry for this variant (Variation ID: 1009751). Invitae Evidence Modeling of protein sequence and biophysical properties (such as structural, functional, and spatial information, amino acid conservation, physicochemical variation, residue mobility, and thermodynamic stability) has been performed for this missense variant. However, the output from this modeling did not meet the statistical confidence thresholds required to predict the impact of this variant on CSF3R protein function. In summary, the available evidence is currently insufficient to determine the role of this variant in disease. Therefore, it has been classified as a Variant of Uncertain Significance.

NM_000760.4(CSF3R):c.325C>A (p.Leu109Met)

Gene: CSF3R (colony stimulating factor 3 receptor; minus strand). Cytogenetic location: 1p34.3.
Variant type: single nucleotide variant.
Coding change: c.325C>A on transcript NM_000760.4 (MANE Select); coding-DNA position 325, C replaced by A.
Protein change: p.Leu109Met; replaces leucine 109 with methionine.
Molecular consequence: missense variant.
Genome position (GRCh38, 1-based): chr1:36,475,413, G>T on the plus strand (C>A on the coding strand, the complement: CSF3R is on the minus strand). VCF-style: chr1-36475413-G-T. GRCh37 (hg19) VCF-style: chr1-36941014-G-T.
Other names: c.325C>A, p.Leu109Met (NM_156039.3, NM_172313.3); short protein forms L109M.
Identifiers: ClinVar variation 1009751 (VCV001009751.8), dbSNP rs147091245, ClinGen allele CA769513.